The following is an entry in ClinVar:

ClinVar aggregate classification (germline): Uncertain significance (1 of 4 stars; one submission).

Allele frequency attached by ClinVar (database versions not stated): gnomAD exomes below 0.00001.
gnomAD v4.1: 2 of 1,602,034 alleles (0.00012%); highest among the groups gnomAD compares: Admixed American, 0.0035%; no homozygotes.

Submission:

Labcorp Genetics (formerly Invitae), Labcorp
Classification: Uncertain significance. Last evaluated: 2025-04-09. Review status: criteria provided, single submitter. Criteria: Invitae Variant Classification Sherloc (09022015). Collection method: clinical testing. Allele origin: germline.
Comment: This sequence change replaces proline, which is neutral and non-polar, with serine, which is neutral and polar, at codon 510 of the RELA protein (p.Pro510Ser). This variant is not present in population databases (gnomAD no frequency). This variant has not been reported in the literature in individuals affected with RELA-related conditions. ClinVar contains an entry for this variant (Variation ID: 1719027). An algorithm developed to predict the effect of missense changes on protein structure and function (PolyPhen-2) suggests that this variant is likely to be disruptive. In summary, the available evidence is currently insufficient to determine the role of this variant in disease. Therefore, it has been classified as a Variant of Uncertain Significance.

NM_021975.4(RELA):c.1528C>T (p.Pro510Ser)

Gene: RELA (RELA proto-oncogene, NF-kB subunit; minus strand). Cytogenetic location: 11q13.1.
Variant type: single nucleotide variant.
Coding change: c.1528C>T on transcript NM_021975.4 (MANE Select); coding-DNA position 1528, C replaced by T.
Protein change: p.Pro510Ser; replaces proline 510 with serine.
Molecular consequence: missense variant.
Genome position (GRCh38, 1-based): chr11:65,654,506, G>A on the plus strand (C>T on the coding strand, the complement: RELA is on the minus strand). VCF-style: chr11-65654506-G-A. GRCh37 (hg19) VCF-style: chr11-65421977-G-A.
Other names: c.1519C>T, p.Pro507Ser (NM_001145138.2); c.1321C>T, p.Pro441Ser (NM_001243984.2); c.1219C>T, p.Pro407Ser (NM_001243985.2); c.1561C>T, p.Pro521Ser (NM_001404657.1); c.1501C>T, p.Pro501Ser (NM_001404658.1); c.1315C>T, p.Pro439Ser (NM_001404659.1); c.1210C>T, p.Pro404Ser (NM_001404660.1); c.1147C>T, p.Pro383Ser (NM_001404661.1); and 1 more; short protein forms P383S, P404S, P407S, P439S, P441S, P479S, P501S, P507S.
Identifiers: ClinVar variation 1719027 (VCV001719027.6), dbSNP rs2496823771, ClinGen allele CA381386583.
Genomic context (GRCh38, chr11:65,654,506, plus strand): 5'-CTGAAAGGAGGCCATTGGGGAGCCCCGGGGCCCCCAGTGGAGCAGGAGCTGGGTCGGGGG[G>A]CCTCTGGGCCCCTGTCACTAGGCGAGTTATAGCCTCAGGGTACTCCATCAGCATGGGCTC-3'
Protein context (NP_068810.3, residues 500-520): ITRLVTGAQR[Pro510Ser]PDPAPAPLGA